The following is an entry in ClinVar:

ClinVar aggregate classification (germline): Uncertain significance. Review status: criteria provided, multiple submitters, no conflicts (2 of 4 stars). 3 submissions from 3 submitters: Uncertain significance (3). Last evaluated 2022-03-23.

Conditions:
Neuromuscular disease caused by qualitative or quantitative defects of dysferlin. Also called: Qualitative or quantitative defects of dysferlin; Dysferlinopathy. Identifiers: Orphanet 207073, MedGen C2931687, MONDO:0016145.

Submissions (3):

Blueprint Genetics
Classification: Uncertain significance. Last evaluated: 2022-03-23. Review status: criteria provided, single submitter. Criteria: ACMG Guidelines, 2015. Collection method: clinical testing. Allele origin: germline.

Labcorp Genetics (formerly Invitae), Labcorp
Classification: Uncertain significance for Neuromuscular disease caused by qualitative or quantitative defects of dysferlin. Last evaluated: 2021-08-25. Review status: criteria provided, single submitter. Criteria: Invitae Variant Classification Sherloc (09022015). Collection method: clinical testing. Allele origin: germline.
Comment: This sequence change replaces serine with phenylalanine at codon 289 of the DYSF protein (p.Ser289Phe). The serine residue is moderately conserved and there is a large physicochemical difference between serine and phenylalanine. This variant is not present in population databases (ExAC no frequency). This variant has not been reported in the literature in individuals affected with DYSF-related conditions. ClinVar contains an entry for this variant (Variation ID: 287473). Algorithms developed to predict the effect of missense changes on protein structure and function are either unavailable or do not agree on the potential impact of this missense change (SIFT: "Deleterious"; PolyPhen-2: "Probably Damaging"; Align-GVGD: "Class C0"). In summary, the available evidence is currently insufficient to determine the role of this variant in disease. Therefore, it has been classified as a Variant of Uncertain Significance.

Eurofins Ntd Llc (ga)
Classification: Uncertain significance. Last evaluated: 2016-04-18. Review status: criteria provided, single submitter. Criteria: EGL Classification Definitions 2015. Collection method: clinical testing. Allele origin: germline. Observed: 1 variant allele, 1 heterozygote.

NM_001130987.2(DYSF):c.962C>T (p.Ser321Phe)

Gene: DYSF (dysferlin; plus strand). Cytogenetic location: 2p13.2.
Variant type: single nucleotide variant.
Coding change: c.962C>T on transcript NM_001130987.2 (MANE Select); coding-DNA position 962, C replaced by T.
Protein change: p.Ser321Phe; replaces serine 321 with phenylalanine.
Molecular consequence: missense variant.
Genome position (GRCh38, 1-based): chr2:71,516,999, C>T. VCF-style: chr2-71516999-C-T. GRCh37 (hg19) VCF-style: chr2-71744129-C-T.
Other names: c.869C>T, p.Ser290Phe (NM_001130455.2, NM_001130983.2, NM_001130984.2 and 1 more transcripts); c.866C>T, p.Ser289Phe (NM_001130976.2, NM_001130977.2, NM_001130978.2 and 1 more transcripts); c.959C>T, p.Ser320Phe (NM_001130979.2, NM_001130980.2, NM_001130981.2); c.962C>T, p.Ser321Phe (NM_001130982.2, NM_001130985.2); short protein forms S321F, S289F, S320F, S290F.
Identifiers: ClinVar variation 287473 (VCV000287473.7), dbSNP rs776921154, ClinGen allele CA10605780.